The following is an entry in ClinVar:

ClinVar aggregate classification (germline): Uncertain significance (1 of 4 stars; one submission).

Submission:

GeneDx
Classification: Uncertain significance. Last evaluated: 2025-03-24. Review status: criteria provided, single submitter. Criteria: GeneDx Variant Classification Process June 2021. Collection method: clinical testing. Allele origin: germline. Affected: yes.
Comment: Not observed at significant frequency in large population cohorts (gnomAD); In silico analysis supports that this missense variant has a deleterious effect on protein structure/function; Has not been previously published as pathogenic or benign to our knowledge

NM_005862.3(STAG1):c.2109T>G (p.Asn703Lys)

Gene: STAG1 (STAG1 cohesin complex component; minus strand). Cytogenetic location: 3q22.3.
Variant type: single nucleotide variant.
Coding change: c.2109T>G on transcript NM_005862.3 (MANE Select); coding-DNA position 2109, T replaced by G.
Protein change: p.Asn703Lys; replaces asparagine 703 with lysine.
Molecular consequence: missense variant.
Genome position (GRCh38, 1-based): chr3:136,417,972, A>C on the plus strand (T>G on the coding strand, the complement: STAG1 is on the minus strand). VCF-style: chr3-136417972-A-C. GRCh37 (hg19) VCF-style: chr3-136136814-A-C.
Other names: short protein forms N703K.
Identifiers: ClinVar variation 4087920 (VCV004087920.1).
Genomic context (GRCh38, chr3:136,417,972, plus strand): 5'-TCCAGTCTTCAATAATCTGTAGCAATTACCAAAGAGATCCCATTTTGTGAGATCATGTGC[A>C]CTGAAATAAACAAAAATGCATCTGTTTTATTCTAGAATGGAAGGAAATTTAAATTTGAGC-3'
Protein context (NP_005853.2, residues 693-713): STLKRLTSFH[Asn703Lys]AHDLTKWDLF